The following is an entry in ClinVar:

NM_024642.5(GALNT12):c.541+9C>T

Gene: GALNT12 (polypeptide N-acetylgalactosaminyltransferase 12; plus strand). Cytogenetic location: 9q22.33.
Variant type: single nucleotide variant.
Coding change: c.541+9C>T on transcript NM_024642.5 (MANE Select); 9 bases into the intron after coding-DNA position 541, C replaced by T.
Molecular consequence: intron variant.
Genome position (GRCh38, 1-based): chr9:98,823,434, C>T. VCF-style: chr9-98823434-C-T. GRCh37 (hg19) VCF-style: chr9-101585716-C-T.
Identifiers: ClinVar variation 701108 (VCV000701108.13), dbSNP rs374545406, ClinGen allele CA5153963.

ClinVar aggregate classification (germline): Likely benign. Review status: criteria provided, multiple submitters, no conflicts (2 of 4 stars). 4 submissions from 4 submitters: Likely benign (4). Last evaluated 2026-04-21.

Conditions:
Colorectal cancer, susceptibility to, 1. Also called: COLORECTAL ADENOMA AND CANCER, SUSCEPTIBILITY TO; COLORECTAL CANCER, SUSCEPTIBILITY TO, ON CHROMOSOME 9. Identifiers: MedGen C1837315, MONDO:0012132, OMIM 608812.

Allele frequency attached by ClinVar (database versions not stated): ExAC 0.00006; gnomAD exomes 0.00004 and 0.00002; gnomAD 0.00003; ESP Exome Variant Server 0.00008; TOPMed 0.00008.
gnomAD v4.1: 27 of 1,612,764 alleles (0.0017%); highest among the groups gnomAD compares: Admixed American, 0.015%; no homozygotes.

Submissions (4):

Myriad Genetics, Inc.
Classification: Likely benign for Colorectal cancer, susceptibility to, 1. Last evaluated: 2026-04-21. Review status: criteria provided, single submitter. Criteria: Myriad Autosomal Dominant, Autosomal Recessive and X-Linked Classification Criteria (2023). Collection method: clinical testing. Allele origin: unknown.
Comment: This variant is considered likely benign. This variant is intronic and is not expected to impact mRNA splicing.

Labcorp Genetics (formerly Invitae), Labcorp
Classification: Likely benign. Last evaluated: 2025-05-27. Review status: criteria provided, single submitter. Criteria: Invitae Variant Classification Sherloc (09022015). Collection method: clinical testing. Allele origin: germline.

Department of Pathology and Laboratory Medicine, Sinai Health System
Classification: Likely benign for colorectal cancer, susceptibility to, 1. Last evaluated: 2025-01-10. Review status: criteria provided, single submitter. Criteria: ACMG Guidelines, 2015. Collection method: clinical testing. Allele origin: germline. Affected: yes.

Quest Diagnostics Nichols Institute San Juan Capistrano
Classification: Likely benign. Last evaluated: 2023-06-24. Review status: criteria provided, single submitter. Criteria: Quest Diagnostics criteria. Collection method: clinical testing. Allele origin: unknown.